The following is an entry in ClinVar:

ClinVar aggregate classification (germline): Pathogenic (1 of 4 stars; one submission).

Submission:

Labcorp Genetics (formerly Invitae), Labcorp
Classification: Pathogenic. Last evaluated: 2021-05-12. Review status: criteria provided, single submitter. Criteria: Invitae Variant Classification Sherloc (09022015). Collection method: clinical testing. Allele origin: germline.
Comment: This sequence change creates a premature translational stop signal (p.Leu220*) in the COL4A5 gene. It is expected to result in an absent or disrupted protein product. Loss-of-function variants in COL4A5 are known to be pathogenic (PMID: 9195222, 10752524, 14514738, 24854265, 26809805). This variant is not present in population databases (ExAC no frequency). This variant has not been reported in the literature in individuals with COL4A5-related conditions. For these reasons, this variant has been classified as Pathogenic.

Literature cited by the submitters: PubMed 9195222; PubMed 10752524; PubMed 14514738; PubMed 24854265; PubMed 26809805.

NM_033380.3(COL4A5):c.659T>G (p.Leu220Ter)

Gene: COL4A5 (collagen type IV alpha 5 chain; plus strand). Cytogenetic location: Xq22.3.
Variant type: single nucleotide variant.
Coding change: c.659T>G on transcript NM_033380.3 (MANE Select); coding-DNA position 659, T replaced by G.
Protein change: p.Leu220Ter; replaces leucine 220 with a stop codon.
Molecular consequence: nonsense.
Genome position (GRCh38, 1-based): chrX:108,578,091, T>G. VCF-style: chrX-108578091-T-G. GRCh37 (hg19) VCF-style: chrX-107821321-T-G.
Other names: c.659T>G, p.Leu220Ter (NM_000495.5); short protein forms L220*.
Identifiers: ClinVar variation 1451992 (VCV001451992.6), dbSNP rs2066183255, ClinGen allele CA413923576.